The following is an entry in ClinVar:

ClinVar aggregate classification (germline): Benign. Review status: criteria provided, multiple submitters, no conflicts (2 of 4 stars). 7 submissions from 6 submitters: Benign (6). 1 of the submissions does not count toward it. Last evaluated 2026-02-01.

Conditions:
Emery-Dreifuss muscular dystrophy 4, autosomal dominant (EDMD4). Also called: EMERY-DREIFUSS MUSCULAR DYSTROPHY 4 WITH VARIABLE FEATURES. Identifiers: Orphanet 261, MedGen C2751807, MONDO:0013071, OMIM 612998.
Autosomal recessive ataxia, Beauce type. Also called: SYNE1-Related Autosomal Recessive Cerebellar Ataxia; ATAXIA, RECESSIVE, OF BEAUCE; Spinocerebellar ataxia, autosomal recessive 8; SYNE1 Deficiency. Identifiers: Orphanet 88644, MedGen C1853116, MONDO:0012549, OMIM 610743.

Allele frequency attached by ClinVar (database versions not stated): gnomAD exomes 0.01031 and 0.01954; ESP Exome Variant Server 0.02591; gnomAD 0.02687; ExAC 0.01959; TOPMed 0.03082; 1000 Genomes Project 30x 0.03763; 1000 Genomes Project 0.03814.
gnomAD v4.1: 19,491 of 1,614,034 alleles (1.2%); highest among the groups gnomAD compares: African/African-American, 5.9%; 349 homozygotes.

Submissions (7):

Labcorp Genetics (formerly Invitae), Labcorp
Classification: Benign for Emery-Dreifuss muscular dystrophy 4, autosomal dominant; Autosomal recessive ataxia, Beauce type. Last evaluated: 2026-02-01. Review status: criteria provided, single submitter. Criteria: Invitae Variant Classification Sherloc (09022015). Collection method: clinical testing. Allele origin: germline.

Illumina Laboratory Services, Illumina
Classification: Benign for Autosomal recessive ataxia, Beauce type. Last evaluated: 2018-01-13. Review status: criteria provided, single submitter. Criteria: ICSL Variant Classification Criteria 13 December 2019. Collection method: clinical testing. Allele origin: germline.
Comment: This variant was observed in the ICSL laboratory as part of a predisposition screen in an ostensibly healthy population. It had not been previously curated by ICSL or reported in the Human Gene Mutation Database (HGMD: prior to June 1st, 2018), and was therefore a candidate for classification through an automated scoring system. Utilizing variant allele frequency, disease prevalence and penetrance estimates, and inheritance mode, an automated score was calculated to assess if this variant is too frequent to cause the disease. Based on the score and internal cut-off values, a variant classified as benign is not then subjected to further curation. The score for this variant resulted in a classification of benign for this disease.

Illumina Laboratory Services, Illumina
Classification: Benign for Emery-Dreifuss muscular dystrophy 4, autosomal dominant. Last evaluated: 2018-01-13. Review status: criteria provided, single submitter. Criteria: ICSL Variant Classification Criteria 13 December 2019. Collection method: clinical testing. Allele origin: germline.
Comment: the same text as in the submission from Illumina Laboratory Services, Illumina above.

Mayo Clinic Laboratories, Mayo Clinic
Classification: Benign. Last evaluated: 2017-12-11. Review status: criteria provided, single submitter. Criteria: ACMG Guidelines, 2015. Collection method: clinical testing. Allele origin: germline. Observed: 45 variant alleles.

GeneDx
Classification: Benign. Last evaluated: 2016-02-18. Review status: criteria provided, single submitter. Criteria: GeneDx Variant Classification (06012015). Collection method: clinical testing. Allele origin: germline. Affected: yes.
Comment: This variant is considered likely benign or benign based on one or more of the following criteria: it is a conservative change, it occurs at a poorly conserved position in the protein, it is predicted to be benign by multiple in silico algorithms, and/or has population frequency not consistent with disease.

PreventionGenetics, part of Exact Sciences
Classification: Benign. Review status: criteria provided, single submitter. Criteria: ACMG Guidelines, 2015. Collection method: clinical testing. Allele origin: germline.

Genetic Services Laboratory, University of Chicago
Classification: Likely benign for AllHighlyPenetrant. Review status: no assertion criteria provided. Collection method: clinical testing. Allele origin: germline. Inheritance: Autosomal dominant inheritance. Not counted in ClinVar's aggregate classification.
Comment: Likely benign based on allele frequency in 1000 Genomes Project or ESP global frequency and its presence in a patient with a rare or unrelated disease phenotype. NOT Sanger confirmed.

NM_182961.4(SYNE1):c.17339G>A (p.Arg5780Gln)

Gene: SYNE1 (spectrin repeat containing nuclear envelope protein 1; minus strand). Cytogenetic location: 6q25.2.
Variant type: single nucleotide variant.
Coding change: c.17339G>A on transcript NM_182961.4 (MANE Select); coding-DNA position 17339, G replaced by A.
Protein change: p.Arg5780Gln; replaces arginine 5780 with glutamine.
Molecular consequence: missense variant.
Genome position (GRCh38, 1-based): chr6:152,308,496, C>T on the plus strand (G>A on the coding strand, the complement: SYNE1 is on the minus strand). VCF-style: chr6-152308496-C-T. GRCh37 (hg19) VCF-style: chr6-152629631-C-T.
Other names: p.Arg5709Gln; c.17126G>A, p.Arg5709Gln (NM_033071.5); short protein forms R5709Q, R5780Q.
Identifiers: ClinVar variation 130411 (VCV000130411.20), dbSNP rs76160752, ClinGen allele CA155382.
Genomic context (GRCh38, chr6:152,308,496, plus strand): 5'-ACTCTAATCAAGCCAGTTTCCTGCCCTCGGTATTTCGCCTACATTCCTCTCACCTCATGC[C>T]GAGAAATCTGAGCCTGCAGCTCCTGTATGTTACTGGTGGCAACAGGTTTATCCTCAATCT-3'
Protein context (NP_892006.3, residues 5770-5790): NIQELQAQIS[Arg5780Gln]HEELAQKIKG